The following is an entry in ClinVar:

NM_000020.3(ACVRL1):c.767T>G (p.Ile256Ser)

Gene: ACVRL1 (activin A receptor like type 1; plus strand). Cytogenetic location: 12q13.13.
Variant type: single nucleotide variant.
Coding change: c.767T>G on transcript NM_000020.3 (MANE Select); coding-DNA position 767, T replaced by G.
Protein change: p.Ile256Ser; replaces isoleucine 256 with serine.
Molecular consequence: missense variant.
Genome position (GRCh38, 1-based): chr12:51,914,580, T>G. VCF-style: chr12-51914580-T-G. GRCh37 (hg19) VCF-style: chr12-52308364-T-G.
Other names: c.767T>G, p.Ile256Ser (NM_001077401.2, NM_001406487.1, NM_001406488.1 and 1 more transcripts); c.455T>G, p.Ile152Ser (NM_001406490.1, NM_001406491.1, NM_001406492.1 and 2 more transcripts); c.203T>G, p.Ile68Ser (NM_001406495.1); short protein forms I152S, I256S, I68S.
Identifiers: ClinVar variation 1760116 (VCV001760116.2), dbSNP rs2540162917, ClinGen allele CA384900259.

ClinVar aggregate classification (germline): Uncertain significance (1 of 4 stars; one submission).

Conditions:
Cardiovascular phenotype. Identifiers: MedGen CN230736.

Submission:

Ambry Genetics
Classification: Uncertain significance for Cardiovascular phenotype. Last evaluated: 2016-10-05. Review status: criteria provided, single submitter. Criteria: Ambry Variant Classification Scheme 2023. Collection method: clinical testing. Allele origin: germline.
Comment: The p.I256S variant (also known as c.767T>G), located in coding exon 5 of the ACVRL1 gene, results from a T to G substitution at nucleotide position 767. The isoleucine at codon 256 is replaced by serine, an amino acid with dissimilar properties. This variant was not reported in population based cohorts in the following databases: Database of Single Nucleotide Polymorphisms (dbSNP), NHLBI Exome Sequencing Project (ESP), and 1000 Genomes Project. In the ESP, this variant was not observed in 6503 samples (13006 alleles) with coverage at this position. This amino acid position is well conserved in available vertebrate species. In addition, this alteration is predicted to be deleterious by in silico analysis. Since supporting evidence is limited at this time, the clinical significance of this alteration remains unclear.